The following is an entry in ClinVar:

NM_006946.4(SPTBN2):c.5249G>A (p.Arg1750His)

Gene: SPTBN2 (spectrin beta, non-erythrocytic 2; minus strand). Cytogenetic location: 11q13.2.
Variant type: single nucleotide variant.
Coding change: c.5249G>A on transcript NM_006946.4 (MANE Select); coding-DNA position 5249, G replaced by A.
Protein change: p.Arg1750His; replaces arginine 1750 with histidine.
Molecular consequence: missense variant.
Genome position (GRCh38, 1-based): chr11:66,691,600, C>T on the plus strand (G>A on the coding strand, the complement: SPTBN2 is on the minus strand). VCF-style: chr11-66691600-C-T. GRCh37 (hg19) VCF-style: chr11-66459071-C-T.
Other names: c.5270G>A, p.Arg1757His (NM_001411025.1); c.5249G>A, p.Arg1750His (NM_001437541.1); c.5249G>A (NM_006946.2); short protein forms R1750H, R1757H.
Identifiers: ClinVar variation 4912470 (VCV004912470.3).

ClinVar aggregate classification (germline): Uncertain significance. Review status: criteria provided, multiple submitters, no conflicts (2 of 4 stars). 3 submissions from 3 submitters: Uncertain significance (3). Last evaluated 2026-09-01.

Conditions:
SPTBN2-related disorder. Also called: SPTBN2-related condition.

gnomAD v4.1: 14 of 1,613,724 alleles (0.00087%); highest among the groups gnomAD compares: Admixed American, 0.0067%; no homozygotes.

Submissions (3):

CeGaT Center for Human Genetics Tuebingen
Classification: Uncertain significance. Last evaluated: 2026-09-01. Review status: criteria provided, single submitter. Criteria: CeGaT Center For Human Genetics Tuebingen Variant Classification Criteria Version 2. Collection method: clinical testing. Allele origin: germline. Affected: yes. Observed: 1 variant allele.
Comment: SPTBN2: PM2

PreventionGenetics, part of Exact Sciences
Classification: Uncertain significance for SPTBN2-related condition. Last evaluated: 2025-03-12. Review status: criteria provided, single submitter. Criteria: ACMG Guidelines, 2015. Collection method: clinical testing. Allele origin: germline.
Comment: The SPTBN2 c.5249G>A variant is predicted to result in the amino acid substitution p.Arg1750His. To our knowledge, this variant has not been reported in the literature. This variant is reported in 0.0087% of alleles in individuals of Latino descent in gnomAD. At this time, the clinical significance of this variant is uncertain due to the absence of conclusive functional and genetic evidence.

Blueprint Genetics
Classification: Uncertain significance. Last evaluated: 2019-07-24. Review status: criteria provided, single submitter. Criteria: ACMG Guidelines, 2015. Collection method: clinical testing. Allele origin: germline.